The following is an entry in ClinVar:

ClinVar aggregate classification (germline): Likely benign. Review status: criteria provided, multiple submitters, no conflicts (2 of 4 stars). 4 submissions from 4 submitters: Likely benign (4). Last evaluated 2026-09-01.

Allele frequency attached by ClinVar (database versions not stated): gnomAD 0.00024 and 0.00028; TOPMed 0.00028; 1000 Genomes Project 0.00060; 1000 Genomes Project 30x 0.00062; ExAC 0.00063.
gnomAD v4.1: 602 of 1,571,246 alleles (0.038%); highest among the groups gnomAD compares: Middle Eastern, 0.99%; 2 homozygotes.

Submissions (4):

CeGaT Center for Human Genetics Tuebingen
Classification: Likely benign. Last evaluated: 2026-09-01. Review status: criteria provided, single submitter. Criteria: CeGaT Center For Human Genetics Tuebingen Variant Classification Criteria Version 2. Collection method: clinical testing. Allele origin: germline. Affected: yes. Observed: 8 variant alleles.
Comment: HERC2: BP4, BP7

Blueprint Genetics
Classification: Likely benign. Last evaluated: 2024-11-26. Review status: criteria provided, single submitter. Criteria: ACMG Guidelines, 2015. Collection method: clinical testing. Allele origin: germline.

Labcorp Genetics (formerly Invitae), Labcorp
Classification: Likely benign. Last evaluated: 2019-12-31. Review status: criteria provided, single submitter. Criteria: Invitae Variant Classification Sherloc (09022015). Collection method: clinical testing. Allele origin: germline.

Breakthrough Genomics
Classification: Likely benign. Review status: criteria provided, single submitter. Criteria: ACMG Guidelines, 2015. Collection method: not provided. Allele origin: germline. Inheritance: Autosomal recessive inheritance. Affected: yes.

NM_004667.6(HERC2):c.3888G>T (p.Gly1296=)

Gene: HERC2 (HECT and RLD domain containing E3 ubiquitin protein ligase 2; minus strand). Cytogenetic location: 15q13.1.
Variant type: single nucleotide variant.
Coding change: c.3888G>T on transcript NM_004667.6 (MANE Select); coding-DNA position 3888, G replaced by T.
Protein change: p.Gly1296=; no amino-acid change (glycine 1296 retained).
Molecular consequence: synonymous variant.
Genome position (GRCh38, 1-based): chr15:28,237,078, C>A on the plus strand (G>T on the coding strand, the complement: HERC2 is on the minus strand). VCF-style: chr15-28237078-C-A. GRCh37 (hg19) VCF-style: chr15-28482224-C-A.
Identifiers: ClinVar variation 708956 (VCV000708956.30), dbSNP rs2346085, ClinGen allele CA7442787.